The following is an entry in ClinVar:

NM_000285.4(PEPD):c.1030A>G (p.Met344Val)

Gene: PEPD (peptidase D; minus strand). Cytogenetic location: 19q13.11.
Variant type: single nucleotide variant.
Coding change: c.1030A>G on transcript NM_000285.4 (MANE Select); coding-DNA position 1030, A replaced by G.
Protein change: p.Met344Val; replaces methionine 344 with valine.
Molecular consequence: missense variant.
Genome position (GRCh38, 1-based): chr19:33,391,417, T>C on the plus strand (A>G on the coding strand, the complement: PEPD is on the minus strand). VCF-style: chr19-33391417-T-C. GRCh37 (hg19) VCF-style: chr19-33882323-T-C.
Other names: c.907A>G, p.Met303Val (NM_001166056.2); c.838A>G, p.Met280Val (NM_001166057.2); c.1030A>G (NM_000285.3); short protein forms M303V, M280V, M344V.
Identifiers: ClinVar variation 1431765 (VCV001431765.6), dbSNP rs1968217328, ClinGen allele CA405221934.

ClinVar aggregate classification (germline): Uncertain significance. Review status: criteria provided, multiple submitters, no conflicts (2 of 4 stars). 2 submissions from 2 submitters: Uncertain significance (2). Last evaluated 2022-07-28.

Conditions:
Inborn genetic diseases. Identifiers: MedGen C0950123, MeSH D030342.

Allele frequency attached by ClinVar (database versions not stated): TOPMed below 0.00001.
gnomAD v4.1: 17 of 1,574,664 alleles (0.0011%); highest among the groups gnomAD compares: Middle Eastern, 0.1%; no homozygotes.

Submissions (2):

Labcorp Genetics (formerly Invitae), Labcorp
Classification: Uncertain significance. Last evaluated: 2022-07-28. Review status: criteria provided, single submitter. Criteria: Invitae Variant Classification Sherloc (09022015). Collection method: clinical testing. Allele origin: germline.
Comment: This sequence change replaces methionine, which is neutral and non-polar, with valine, which is neutral and non-polar, at codon 344 of the PEPD protein (p.Met344Val). This variant is not present in population databases (gnomAD no frequency). This variant has not been reported in the literature in individuals affected with PEPD-related conditions. ClinVar contains an entry for this variant (Variation ID: 1431765). Algorithms developed to predict the effect of missense changes on protein structure and function (SIFT, PolyPhen-2, Align-GVGD) all suggest that this variant is likely to be tolerated. Algorithms developed to predict the effect of sequence changes on RNA splicing suggest that this variant may create or strengthen a splice site. In summary, the available evidence is currently insufficient to determine the role of this variant in disease. Therefore, it has been classified as a Variant of Uncertain Significance.

Ambry Genetics
Classification: Uncertain significance for Inborn genetic diseases. Last evaluated: 2022-04-06. Review status: criteria provided, single submitter. Criteria: Ambry Variant Classification Scheme 2023. Collection method: clinical testing. Allele origin: germline.